The following is an entry in ClinVar:

ClinVar aggregate classification (germline): Uncertain significance (1 of 4 stars; one submission).

Conditions:
BSG-related disorder. Also called: BSG-related condition.

gnomAD v4.1: 21 of 1,610,210 alleles (0.0013%); highest among the groups gnomAD compares: Admixed American, 0.0083%; no homozygotes.

Submission:

PreventionGenetics, part of Exact Sciences
Classification: Uncertain significance for BSG-related condition. Last evaluated: 2026-08-10. Review status: criteria provided, single submitter. Criteria: ACMG Guidelines, 2015. Collection method: clinical testing. Allele origin: germline.
Comment: The BSG c.307G>A variant is predicted to result in the amino acid substitution p.Gly103Arg. This variant has been reported in an individual with early-onset high myopia (reported as c.655G>A (p.G219R) using transcript NM_001728, Cai et al. 2019. PubMed ID: 31560770). This variant is present in 0.0058% of alleles in individuals of Latino descent in gnomAD. At this time, the clinical significance of this variant is uncertain due to the absence of conclusive functional and genetic evidence.

NM_001728.4(BSG):c.655G>A (p.Gly219Arg)

Gene: BSG (basigin (Ok blood group); plus strand). Cytogenetic location: 19p13.3.
Variant type: single nucleotide variant.
Coding change: c.655G>A on transcript NM_001728.4 (MANE Select); coding-DNA position 655, G replaced by A.
Protein change: p.Gly219Arg; replaces glycine 219 with arginine.
Molecular consequence: missense variant.
Genome position (GRCh38, 1-based): chr19:580,461, G>A. VCF-style: chr19-580461-G-A. GRCh37 (hg19) VCF-style: chr19-580461-G-A.
Other names: c.307G>A, p.Gly103Arg (NM_001322243.2, NM_198589.3); c.28G>A, p.Gly10Arg (NM_198590.3, NM_198591.4); short protein forms G10R, G103R, G219R.
Identifiers: ClinVar variation 4977786 (VCV004977786.1).